The following is an entry in ClinVar:

ClinVar aggregate classification (germline): Likely benign (1 of 4 stars; one submission).

Conditions:
Premature ovarian failure 6 (POF6). Identifiers: MedGen C2676742, MONDO:0012861, OMIM 612310.

Allele frequency attached by ClinVar (database versions not stated): gnomAD below 0.00001 and 0.00009; TOPMed below 0.00001; gnomAD exomes 0.00008 and 0.00009; ExAC 0.00012; 1000 Genomes Project 30x 0.00125; 1000 Genomes Project 0.00160.
gnomAD v4.1: 135 of 1,612,100 alleles (0.0084%); highest among the groups gnomAD compares: South Asian, 0.13%; no homozygotes.

Submission:

Illumina Laboratory Services, Illumina
Classification: Likely benign for Premature ovarian failure 6. Last evaluated: 2018-01-13. Review status: criteria provided, single submitter. Criteria: ICSL Variant Classification Criteria 13 December 2019. Collection method: clinical testing. Allele origin: germline.
Comment: This variant was observed in the ICSL laboratory as part of a predisposition screen in an ostensibly healthy population. It had not been previously curated by ICSL or reported in the Human Gene Mutation Database (HGMD: prior to June 1st, 2018), and was therefore a candidate for classification through an automated scoring system. Utilizing variant allele frequency, disease prevalence and penetrance estimates, and inheritance mode, an automated score was calculated to assess if this variant is too frequent to cause the disease. Based on the score and internal cut-off values, a variant classified as likely benign is not then subjected to further curation. The score for this variant resulted in a classification of likely benign for this disease.

NM_001004311.3(FIGLA):c.585A>G (p.Glu195=)

Gene: FIGLA (folliculogenesis specific bHLH transcription factor; minus strand). Cytogenetic location: 2p13.3.
Variant type: single nucleotide variant.
Coding change: c.585A>G on transcript NM_001004311.3 (MANE Select); coding-DNA position 585, A replaced by G.
Protein change: p.Glu195=; no amino-acid change (glutamic acid 195 retained).
Molecular consequence: synonymous variant.
Genome position (GRCh38, 1-based): chr2:70,785,439, T>C on the plus strand (A>G on the coding strand, the complement: FIGLA is on the minus strand). VCF-style: chr2-70785439-T-C. GRCh37 (hg19) VCF-style: chr2-71012571-T-C.
Identifiers: ClinVar variation 896600 (VCV000896600.4), dbSNP rs374515841, ClinGen allele CA1699621.